The following is an entry in ClinVar:

NM_001453.3(FOXC1):c.447C>T (p.Gly149=)

Gene: FOXC1 (forkhead box C1; plus strand). Cytogenetic location: 6p25.3.
Variant type: single nucleotide variant.
Coding change: c.447C>T on transcript NM_001453.3 (MANE Select); coding-DNA position 447, C replaced by T.
Protein change: p.Gly149=; no amino-acid change (glycine 149 retained).
Molecular consequence: synonymous variant.
Genome position (GRCh38, 1-based): chr6:1,610,892, C>T. VCF-style: chr6-1610892-C-T. GRCh37 (hg19) VCF-style: chr6-1611127-C-T.
Identifiers: ClinVar variation 2982643 (VCV002982643.3), dbSNP rs1274199815, ClinGen allele CA448393643.

ClinVar aggregate classification (germline): Uncertain significance (1 of 4 stars; one submission).

Conditions:
Axenfeld-Rieger syndrome type 3 (RIEG3). Also called: AXENFELD-RIEGER ANOMALY WITH CARDIAC DEFECTS AND/OR SENSORINEURAL HEARING LOSS. Identifiers: Orphanet 782, MedGen C2678503, MONDO:0011233, OMIM 602482.

Allele frequency attached by ClinVar (database versions not stated): gnomAD 0.00001; gnomAD exomes 0.00001; TOPMed 0.00001.
gnomAD v4.1: 5 of 1,613,978 alleles (0.00031%); highest among the groups gnomAD compares: Non-Finnish European, 0.00042%; no homozygotes.

Submission:

Labcorp Genetics (formerly Invitae), Labcorp
Classification: Uncertain significance for Axenfeld-Rieger syndrome type 3. Last evaluated: 2023-11-07. Review status: criteria provided, single submitter. Criteria: Invitae Variant Classification Sherloc (09022015). Collection method: clinical testing. Allele origin: germline.
Comment: This sequence change affects codon 149 of the FOXC1 mRNA. It is a 'silent' change, meaning that it does not change the encoded amino acid sequence of the FOXC1 protein. This variant is not present in population databases (gnomAD no frequency). This variant has not been reported in the literature in individuals affected with FOXC1-related conditions. In summary, the available evidence is currently insufficient to determine the role of this variant in disease. Therefore, it has been classified as a Variant of Uncertain Significance.